The following is an entry in ClinVar:

ClinVar aggregate classification (germline): Pathogenic (1 of 4 stars; one submission).

Conditions:
Tay-Sachs disease (TSD). Also called: HEXA DEFICIENCY; GM2 gangliosidosis, type 1; Hexosaminidase alpha-subunit deficiency (variant B); Sphingolipidosis, Tay-Sachs; Hexosaminidase A Deficiency; HEXA Disorders. Identifiers: Orphanet 845, MedGen C0039373, MONDO:0010100, OMIM 272800.

Allele frequency attached by ClinVar (database versions not stated): gnomAD exomes below 0.00001.
gnomAD v4.1: 1 of 1,614,242 alleles (0.000062%); highest among the groups gnomAD compares: Non-Finnish European, 0.000085%; no homozygotes.

Submission:

Labcorp Genetics (formerly Invitae), Labcorp
Classification: Pathogenic for Tay-Sachs disease. Last evaluated: 2022-06-25. Review status: criteria provided, single submitter. Criteria: Invitae Variant Classification Sherloc (09022015). Collection method: clinical testing. Allele origin: germline.
Comment: For these reasons, this variant has been classified as Pathogenic. This variant disrupts a region of the HEXA protein in which other variant(s) (p.Arg504Alafs*5) have been determined to be pathogenic (PMID: 2531748, 16088929, 17237499). This suggests that this is a clinically significant region of the protein, and that variants that disrupt it are likely to be disease-causing. Algorithms developed to predict the effect of sequence changes on RNA splicing suggest that this variant may disrupt the consensus splice site. This variant has not been reported in the literature in individuals affected with HEXA-related conditions. This variant is not present in population databases (gnomAD no frequency). This sequence change creates a premature translational stop signal (p.Tyr497*) in the HEXA gene. While this is not anticipated to result in nonsense mediated decay, it is expected to disrupt the last 33 amino acid(s) of the HEXA protein.

Literature cited by the submitters: PubMed 2531748; PubMed 16088929; PubMed 17237499.

NM_000520.6(HEXA):c.1491T>G (p.Tyr497Ter)

Gene: HEXA (hexosaminidase subunit alpha; minus strand). Cytogenetic location: 15q23.
Variant type: single nucleotide variant.
Coding change: c.1491T>G on transcript NM_000520.6 (MANE Select); coding-DNA position 1491, T replaced by G.
Protein change: p.Tyr497Ter; replaces tyrosine 497 with a stop codon.
Molecular consequence: nonsense. On other transcripts: non-coding transcript variant (1).
Genome position (GRCh38, 1-based): chr15:72,345,481, A>C on the plus strand (T>G on the coding strand, the complement: HEXA is on the minus strand). VCF-style: chr15-72345481-A-C. GRCh37 (hg19) VCF-style: chr15-72637822-A-C.
Other names: c.1524T>G, p.Tyr508Ter (NM_001318825.2); short protein forms Y497*, Y508*.
Identifiers: ClinVar variation 2010517 (VCV002010517.4), dbSNP rs2542509635, ClinGen allele CA393058637.
Genomic context (GRCh38, chr15:72,345,481, plus strand): 5'-TGCGAAGGCCCCACAGCTTGCTTACCTCAGCAATTCACAGCGGAAGTGTGACAAACGTTC[A>C]TAGGCAAATGTCAGGTCAGATGTCAACTTGTTGCTCCACAGCCTTTCGGCAACAGCCCCT-3'